The following is an entry in ClinVar:

ClinVar aggregate classification (germline): Uncertain significance (1 of 4 stars; one submission).

Conditions:
Inborn genetic diseases. Identifiers: MedGen C0950123, MeSH D030342.

Submission:

Ambry Genetics
Classification: Uncertain significance for Inborn genetic diseases. Last evaluated: 2022-03-24. Review status: criteria provided, single submitter. Criteria: Ambry Variant Classification Scheme 2023. Collection method: clinical testing. Allele origin: germline.
Comment: The c.5307G>C (p.K1769N) alteration is located in exon 31 (coding exon 31) of the EP300 gene. This alteration results from a G to C substitution at nucleotide position 5307, causing the lysine (K) at amino acid position 1769 to be replaced by an asparagine (N). This variant was not reported in population-based cohorts in the Genome Aggregation Database (gnomAD). This amino acid position is highly conserved in available vertebrate species. This alteration is predicted to be tolerated by in silico analysis. Based on insufficient or conflicting evidence, the clinical significance of this alteration remains unclear.

NM_001429.4(EP300):c.5307G>C (p.Lys1769Asn)

Gene: EP300 (E1A binding protein p300; plus strand). Cytogenetic location: 22q13.2.
Variant type: single nucleotide variant.
Coding change: c.5307G>C on transcript NM_001429.4 (MANE Select); coding-DNA position 5307, G replaced by C.
Protein change: p.Lys1769Asn; replaces lysine 1769 with asparagine.
Molecular consequence: missense variant.
Genome position (GRCh38, 1-based): chr22:41,177,018, G>C. VCF-style: chr22-41177018-G-C. GRCh37 (hg19) VCF-style: chr22-41573022-G-C.
Other names: c.5229G>C, p.Lys1743Asn (NM_001362843.2); short protein forms K1769N, K1743N.
Identifiers: ClinVar variation 2269164 (VCV002269164.2), dbSNP rs1043874095, ClinGen allele CA324558437.
Genomic context (GRCh38, chr22:41,177,018, plus strand): 5'-GAATGCCAATTGCTCACTGCCATCCTGCCAGAAGATGAAGCGGGTTGTGCAGCATACCAA[G>C]GGTTGCAAACGGAAAACCAATGGCGGGTGCCCCATCTGCAAGCAGCTCATTGCCCTCTGC-3'
Protein context (NP_001420.2, residues 1759-1779): QKMKRVVQHT[Lys1769Asn]GCKRKTNGGC